The following is an entry in ClinVar:

ClinVar aggregate classification (germline): Uncertain significance (1 of 4 stars; one submission).

Allele frequency attached by ClinVar (database versions not stated): TOPMed below 0.00001; gnomAD 0.00001.
gnomAD v4.1: 4 of 1,535,250 alleles (0.00026%); highest among the groups gnomAD compares: Non-Finnish European, 0.00035%; no homozygotes.

Submission:

CeGaT Center for Human Genetics Tuebingen
Classification: Uncertain significance. Last evaluated: 2022-11-01. Review status: criteria provided, single submitter. Criteria: CeGaT Center For Human Genetics Tuebingen Variant Classification Criteria Version 2. Collection method: clinical testing. Allele origin: germline. Affected: yes. Observed: 1 variant allele.
Comment: GSN: PM2

NM_198252.3(GSN):c.-10+5185A>T

Genes: GSN (gelsolin; plus strand), LOC126860753 (MED14-independent group 3 enhancer GRCh37_chr9:124048350-124049549; plus strand). Cytogenetic location: 9q33.2.
Variant type: single nucleotide variant.
Coding change: c.-10+5185A>T on transcript NM_198252.3 (MANE Select); 5185 bases into the intron after 10 bases upstream of the start codon, A replaced by T.
Molecular consequence: intron variant. On other transcripts: missense variant (1), initiator codon variant (1), 5 prime UTR variant (1).
Genome position (GRCh38, 1-based): chr9:121,286,747, A>T. VCF-style: chr9-121286747-A-T. GRCh37 (hg19) VCF-style: chr9-124049025-A-T.
Other names: c.1A>T, p.Met1Leu (NM_001258030.2); c.-62A>T (NM_001353071.2); c.-10+5185A>T (NM_001353054.1, NM_001353053.1, NM_001353060.2 and 2 more transcripts); c.-48+5185A>T (NM_001353064.2, NM_001353066.2, NM_001353076.2 and 1 more transcripts); c.-2+5185A>T (NM_001353058.2, NM_001353057.2); c.-39+4197A>T (NM_001353073.2, NM_001353068.2); c.-39+4794A>T (NM_001353065.2); c.-10+4794A>T (NM_001127664.2); and 14 more; short protein forms M1L.
Identifiers: ClinVar variation 2659477 (VCV002659477.24), dbSNP rs1356099374, ClinGen allele CA374746596.